The following is an entry in ClinVar:

NM_005502.4(ABCA1):c.3856A>G (p.Thr1286Ala)

Gene: ABCA1 (ATP binding cassette subfamily A member 1; minus strand). Cytogenetic location: 9q31.1.
Variant type: single nucleotide variant.
Coding change: c.3856A>G on transcript NM_005502.4 (MANE Select); coding-DNA position 3856, A replaced by G.
Protein change: p.Thr1286Ala; replaces threonine 1286 with alanine.
Molecular consequence: missense variant.
Genome position (GRCh38, 1-based): chr9:104,814,163, T>C on the plus strand (A>G on the coding strand, the complement: ABCA1 is on the minus strand). VCF-style: chr9-104814163-T-C. GRCh37 (hg19) VCF-style: chr9-107576444-T-C.
Other names: short protein forms T1286A.
Identifiers: ClinVar variation 2101421 (VCV002101421.4), dbSNP rs2538117744, ClinGen allele CA374317631.

ClinVar aggregate classification (germline): Uncertain significance (1 of 4 stars; one submission).

gnomAD v4.1: 1 of 1,614,248 alleles (0.000062%); highest among the groups gnomAD compares: Non-Finnish European, 0.000085%; no homozygotes.

Submission:

Labcorp Genetics (formerly Invitae), Labcorp
Classification: Uncertain significance. Last evaluated: 2024-08-13. Review status: criteria provided, single submitter. Criteria: Invitae Variant Classification Sherloc (09022015). Collection method: clinical testing. Allele origin: germline.
Comment: This sequence change replaces threonine, which is neutral and polar, with alanine, which is neutral and non-polar, at codon 1286 of the ABCA1 protein (p.Thr1286Ala). This variant is not present in population databases (gnomAD no frequency). This variant has not been reported in the literature in individuals affected with ABCA1-related conditions. ClinVar contains an entry for this variant (Variation ID: 2101421). Advanced modeling of protein sequence and biophysical properties (such as structural, functional, and spatial information, amino acid conservation, physicochemical variation, residue mobility, and thermodynamic stability) performed at Invitae indicates that this missense variant is not expected to disrupt ABCA1 protein function with a negative predictive value of 80%. In summary, the available evidence is currently insufficient to determine the role of this variant in disease. Therefore, it has been classified as a Variant of Uncertain Significance.